The following is an entry in ClinVar:

ClinVar aggregate classification (germline): Benign. Review status: criteria provided, multiple submitters, no conflicts (2 of 4 stars). 3 submissions from 3 submitters: Benign (2). 1 of the submissions does not count toward it. Last evaluated 2026-01-26.

Conditions:
UBE3B-related disorder. Also called: UBE3B-related condition.

Allele frequency attached by ClinVar (database versions not stated): gnomAD exomes 0.00208 and 0.00548; ExAC 0.00591; gnomAD 0.01059 and 0.01084; ESP Exome Variant Server 0.01061; TOPMed 0.01211; 1000 Genomes Project 30x 0.01686; 1000 Genomes Project 0.01737.
gnomAD v4.1: 4,858 of 1,612,258 alleles (0.3%); highest among the groups gnomAD compares: African/African-American, 3.2%; 62 homozygotes.

Submissions (3):

Labcorp Genetics (formerly Invitae), Labcorp
Classification: Benign. Last evaluated: 2026-01-26. Review status: criteria provided, single submitter. Criteria: Invitae Variant Classification Sherloc (09022015). Collection method: clinical testing. Allele origin: germline.

Breakthrough Genomics
Classification: Benign. Review status: criteria provided, single submitter. Criteria: ACMG Guidelines, 2015. Collection method: not provided. Allele origin: germline. Inheritance: Autosomal recessive inheritance. Affected: yes.

PreventionGenetics, part of Exact Sciences
Classification: Benign for UBE3B-related condition. Last evaluated: 2019-09-24. Review status: no assertion criteria provided. Collection method: clinical testing. Allele origin: germline. Not counted in ClinVar's aggregate classification.
Comment: This variant is classified as benign based on ACMG/AMP sequence variant interpretation guidelines (Richards et al. 2015 PMID: 25741868, with internal and published modifications).

NM_130466.4(UBE3B):c.1282+9C>T

Gene: UBE3B (ubiquitin protein ligase E3B; plus strand). Cytogenetic location: 12q24.11.
Variant type: single nucleotide variant.
Coding change: c.1282+9C>T on transcript NM_130466.4 (MANE Select); 9 bases into the intron after coding-DNA position 1282, C replaced by T.
Molecular consequence: intron variant.
Genome position (GRCh38, 1-based): chr12:109,501,543, C>T. VCF-style: chr12-109501543-C-T. GRCh37 (hg19) VCF-style: chr12-109939348-C-T.
Other names: c.1282+9C>T (NM_183415.3).
Identifiers: ClinVar variation 703034 (VCV000703034.14), dbSNP rs113073132, ClinGen allele CA6777840.
Genomic context (GRCh38, chr12:109,501,543, plus strand): 5'-GAGCCAGCCCACGCACAGCCAGCATCCCCTCAGAATGTGCTCCCAGTGAAGAGTGAGTGA[C>T]GGGAGCAGGCCCAACCCTGTAGCTCCACTTGGCTGAAGTACAGCTCCTGTTTCTTCCTAT-3'